The following is an entry in ClinVar:

NM_004863.4(SPTLC2):c.605G>A (p.Gly202Glu)

Gene: SPTLC2 (serine palmitoyltransferase long chain base subunit 2; minus strand). Cytogenetic location: 14q24.3.
Variant type: single nucleotide variant.
Coding change: c.605G>A on transcript NM_004863.4 (MANE Select); coding-DNA position 605, G replaced by A.
Protein change: p.Gly202Glu; replaces glycine 202 with glutamic acid.
Molecular consequence: missense variant.
Genome position (GRCh38, 1-based): chr14:77,576,793, C>T on the plus strand (G>A on the coding strand, the complement: SPTLC2 is on the minus strand). VCF-style: chr14-77576793-C-T. GRCh37 (hg19) VCF-style: chr14-78043136-C-T.
Other names: short protein forms G202E.
Identifiers: ClinVar variation 1367147 (VCV001367147.8), dbSNP rs749749416, ClinGen allele CA390699247.
Genomic context (GRCh38, chr14:77,576,793, plus strand): 5'-AAACAGCAGCTGGCCAAATACAGCTTTCACTTACCAATTTCCTGCCGAGTACTGCACACT[C>T]CAGCTCCATACTCCTCAAGGACTTTGGCGGCTGCTTCTTGACATGATCCAGTATTCCGTG-3'
Protein context (NP_004854.1, residues 192-212): AAKVLEEYGA[Gly202Glu]VCSTRQEIGN

ClinVar aggregate classification (germline): Uncertain significance (1 of 4 stars; one submission).

Conditions:
Neuropathy, hereditary sensory and autonomic, type 1C. Also called: HSAN IC; HSN IC. Identifiers: Orphanet 36386, MedGen C3150896, MONDO:0013337, OMIM 613640.

Submission:

Labcorp Genetics (formerly Invitae), Labcorp
Classification: Uncertain significance for Neuropathy, hereditary sensory and autonomic, type 1C. Last evaluated: 2021-07-13. Review status: criteria provided, single submitter. Criteria: Invitae Variant Classification Sherloc (09022015). Collection method: clinical testing. Allele origin: germline.
Comment: This sequence change replaces glycine with glutamic acid at codon 202 of the SPTLC2 protein (p.Gly202Glu). The glycine residue is moderately conserved and there is a moderate physicochemical difference between glycine and glutamic acid. This variant is not present in population databases (ExAC no frequency). This variant has not been reported in the literature in individuals affected with SPTLC2-related conditions. Algorithms developed to predict the effect of missense changes on protein structure and function are either unavailable or do not agree on the potential impact of this missense change (SIFT: "Tolerated"; PolyPhen-2: "Probably Damaging"; Align-GVGD: "Class C0"). In summary, the available evidence is currently insufficient to determine the role of this variant in disease. Therefore, it has been classified as a Variant of Uncertain Significance.